The following is an entry in ClinVar:

ClinVar aggregate classification (germline): Uncertain significance (1 of 4 stars; one submission).

Conditions:
Sulfite oxidase deficiency due to molybdenum cofactor deficiency type C. Also called: Molybdenum cofactor deficiency, complementation group C; Molybdenum cofactor deficiency C. Identifiers: Orphanet 308400, Orphanet 833, MedGen C1854990, MONDO:0014212, OMIM 615501.

Submission:

Labcorp Genetics (formerly Invitae), Labcorp
Classification: Uncertain significance for Sulfite oxidase deficiency due to molybdenum cofactor deficiency type C. Last evaluated: 2025-09-17. Review status: criteria provided, single submitter. Criteria: Invitae Variant Classification Sherloc (09022015). Collection method: clinical testing. Allele origin: germline.
Comment: This sequence change replaces aspartic acid, which is acidic and polar, with histidine, which is basic and polar, at codon 12 of the GPHN protein (p.Asp12His). This variant is present in population databases (rs765922805, gnomAD no frequency). This variant has not been reported in the literature in individuals affected with GPHN-related conditions. An algorithm developed to predict the effect of missense changes on protein structure and function (PolyPhen-2) suggests that this variant is likely to be disruptive. In summary, the available evidence is currently insufficient to determine the role of this variant in disease. Therefore, it has been classified as a Variant of Uncertain Significance.

NM_020806.5(GPHN):c.34G>C (p.Asp12His)

Gene: GPHN (gephyrin; plus strand). Cytogenetic location: 14q23.3.
Variant type: single nucleotide variant.
Coding change: c.34G>C on transcript NM_020806.5 (MANE Select); coding-DNA position 34, G replaced by C.
Protein change: p.Asp12His; replaces aspartic acid 12 with histidine.
Molecular consequence: missense variant.
Genome position (GRCh38, 1-based): chr14:66,508,561, G>C. VCF-style: chr14-66508561-G-C. GRCh37 (hg19) VCF-style: chr14-66975279-G-C.
Other names: c.34G>C, p.Asp12His (NM_001024218.2, NM_001377514.1, NM_001377515.1 and 4 more transcripts); short protein forms D12H.
Identifiers: ClinVar variation 4753724 (VCV004753724.1).